The following is an entry in ClinVar:

ClinVar aggregate classification (germline): Uncertain significance (1 of 4 stars; one submission).

Submission:

Labcorp Genetics (formerly Invitae), Labcorp
Classification: Uncertain significance. Last evaluated: 2024-08-08. Review status: criteria provided, single submitter. Criteria: Invitae Variant Classification Sherloc (09022015). Collection method: clinical testing. Allele origin: germline.
Comment: This sequence change replaces methionine, which is neutral and non-polar, with isoleucine, which is neutral and non-polar, at codon 1128 of the JAK1 protein (p.Met1128Ile). This variant is not present in population databases (gnomAD no frequency). This variant has not been reported in the literature in individuals affected with JAK1-related conditions. Advanced modeling of protein sequence and biophysical properties (such as structural, functional, and spatial information, amino acid conservation, physicochemical variation, residue mobility, and thermodynamic stability) performed at Invitae indicates that this missense variant is not expected to disrupt JAK1 protein function with a negative predictive value of 80%. In summary, the available evidence is currently insufficient to determine the role of this variant in disease. Therefore, it has been classified as a Variant of Uncertain Significance.

NM_002227.4(JAK1):c.3384G>A (p.Met1128Ile)

Gene: JAK1 (Janus kinase 1; minus strand). Cytogenetic location: 1p31.3.
Variant type: single nucleotide variant.
Coding change: c.3384G>A on transcript NM_002227.4 (MANE Select); coding-DNA position 3384, G replaced by A.
Protein change: p.Met1128Ile; replaces methionine 1128 with isoleucine.
Molecular consequence: missense variant.
Genome position (GRCh38, 1-based): chr1:64,834,643, C>T on the plus strand (G>A on the coding strand, the complement: JAK1 is on the minus strand). VCF-style: chr1-64834643-C-T. GRCh37 (hg19) VCF-style: chr1-65300326-C-T.
Other names: c.3384G>A, p.Met1128Ile (NM_001320923.2, NM_001321852.2, NM_001321853.2 and 3 more transcripts); c.3381G>A, p.Met1127Ile (NM_001321857.2); short protein forms M1128I, M1127I.
Identifiers: ClinVar variation 3680220 (VCV003680220.2).